The following is an entry in ClinVar:

ClinVar aggregate classification (germline): Uncertain significance (1 of 4 stars; one submission).

Conditions:
Neu-Laxova syndrome 2. Identifiers: Orphanet 2671, Orphanet 583602, MedGen C4015019, MONDO:0014466, OMIM 616038.

Allele frequency attached by ClinVar (database versions not stated): gnomAD exomes below 0.00001.
gnomAD v4.1: 1 of 1,614,158 alleles (0.000062%); highest among the groups gnomAD compares: Non-Finnish European, 0.000085%; no homozygotes.

Submission:

Labcorp Genetics (formerly Invitae), Labcorp
Classification: Uncertain significance for Neu-Laxova syndrome 2. Last evaluated: 2022-04-12. Review status: criteria provided, single submitter. Criteria: Invitae Variant Classification Sherloc (09022015). Collection method: clinical testing. Allele origin: germline.
Comment: In summary, the available evidence is currently insufficient to determine the role of this variant in disease. Therefore, it has been classified as a Variant of Uncertain Significance. Algorithms developed to predict the effect of missense changes on protein structure and function output the following: SIFT: "Tolerated"; PolyPhen-2: "Benign"; Align-GVGD: "Class C0". The isoleucine amino acid residue is found in multiple mammalian species, which suggests that this missense change does not adversely affect protein function. This variant has not been reported in the literature in individuals affected with PSAT1-related conditions. This variant is not present in population databases (gnomAD no frequency). This sequence change replaces valine, which is neutral and non-polar, with isoleucine, which is neutral and non-polar, at codon 168 of the PSAT1 protein (p.Val168Ile).

NM_058179.4(PSAT1):c.502G>A (p.Val168Ile)

Gene: PSAT1 (phosphoserine aminotransferase 1; plus strand). Cytogenetic location: 9q21.2.
Variant type: single nucleotide variant.
Coding change: c.502G>A on transcript NM_058179.4 (MANE Select); coding-DNA position 502, G replaced by A.
Protein change: p.Val168Ile; replaces valine 168 with isoleucine.
Molecular consequence: missense variant.
Genome position (GRCh38, 1-based): chr9:78,306,418, G>A. VCF-style: chr9-78306418-G-A. GRCh37 (hg19) VCF-style: chr9-80921334-G-A.
Other names: c.502G>A, p.Val168Ile (NM_021154.5); short protein forms V168I.
Identifiers: ClinVar variation 2125606 (VCV002125606.4), dbSNP rs2489645413, ClinGen allele CA373873387.